The following is an entry in ClinVar:

NM_000362.5(TIMP3):c.129G>A (p.Arg43=)

Genes: SYN3 (synapsin III; minus strand), TIMP3 (TIMP metallopeptidase inhibitor 3; plus strand). Cytogenetic location: 22q12.3.
Variant type: single nucleotide variant.
Coding change: c.129G>A on transcript NM_000362.5 (MANE Select); coding-DNA position 129, G replaced by A.
Protein change: p.Arg43=; no amino-acid change (arginine 43 retained).
Molecular consequence: synonymous variant. On other transcripts: intron variant (7).
Genome position (GRCh38, 1-based): chr22:32,849,459, G>A. VCF-style: chr22-32849459-G-A. GRCh37 (hg19) VCF-style: chr22-33245446-G-A.
Other names: c.129G>A (NM_000362.4); c.708+15456C>T (NM_001369909.1, NM_001135774.2, NM_001369910.1); c.711+15456C>T (NM_001369907.1, NM_003490.4, NM_001369908.1 and 1 more transcripts).
Identifiers: ClinVar variation 1161664 (VCV001161664.11), dbSNP rs374488332, ClinGen allele CA10202179.

ClinVar aggregate classification (germline): Likely benign. Review status: criteria provided, multiple submitters, no conflicts (2 of 4 stars). 3 submissions from 3 submitters: Likely benign (3). Last evaluated 2026-03-27.

Conditions:
TIMP3-related disorder. Also called: TIMP3-related condition.

Allele frequency attached by ClinVar (database versions not stated): gnomAD exomes 0.00006; ExAC 0.00008; ESP Exome Variant Server 0.00008.
gnomAD v4.1: 347 of 1,613,528 alleles (0.022%); highest among the groups gnomAD compares: Non-Finnish European, 0.028%; no homozygotes.

Submissions (3):

PreventionGenetics, part of Exact Sciences
Classification: Likely benign for TIMP3-related condition. Last evaluated: 2026-03-27. Review status: criteria provided, single submitter. Criteria: ACMG Guidelines, 2015. Collection method: clinical testing. Allele origin: germline.
Comment: This variant is classified as likely benign based on ACMG/AMP sequence variant interpretation guidelines (Richards et al. 2015 PMID: 25741868, with internal and published modifications).

Labcorp Genetics (formerly Invitae), Labcorp
Classification: Likely benign. Last evaluated: 2025-11-04. Review status: criteria provided, single submitter. Criteria: Invitae Variant Classification Sherloc (09022015). Collection method: clinical testing. Allele origin: germline.

Blueprint Genetics
Classification: Likely benign. Last evaluated: 2024-09-19. Review status: criteria provided, single submitter. Criteria: ACMG Guidelines, 2015. Collection method: clinical testing. Allele origin: germline.